The following is an entry in ClinVar:

NM_000540.3(RYR1):c.11443A>G (p.Met3815Val)

Gene: RYR1 (ryanodine receptor 1; plus strand). Cytogenetic location: 19q13.2.
Variant type: single nucleotide variant.
Coding change: c.11443A>G on transcript NM_000540.3 (MANE Select); coding-DNA position 11443, A replaced by G.
Protein change: p.Met3815Val; replaces methionine 3815 with valine.
Molecular consequence: missense variant.
Genome position (GRCh38, 1-based): chr19:38,535,319, A>G. VCF-style: chr19-38535319-A-G. GRCh37 (hg19) VCF-style: chr19-39025959-A-G.
Other names: c.11428A>G, p.Met3810Val (NM_001042723.2); short protein forms M3810V, M3815V.
Identifiers: ClinVar variation 3069291 (VCV003069291.1), dbSNP rs368909156, ClinGen allele CA405655678.

ClinVar aggregate classification (germline): Uncertain significance (1 of 4 stars; one submission).

Conditions:
Malignant hyperthermia, susceptibility to, 1 (MHS1). Also called: RYR1-Related Malignant Hyperthermia Susceptibility; Anesthesia related hyperthermia; Malignant hyperpyrexia; Fulminating hyperpyrexia; Pharmacogenic myopathy; Malignant hyperthermia suceptibility 1. Identifiers: Orphanet 423, MedGen C2930980, MONDO:0007783, OMIM 145600.

gnomAD v4.1: 1 of 1,614,196 alleles (0.000062%); highest among the groups gnomAD compares: Non-Finnish European, 0.000085%; no homozygotes.

Submission:

All of Us Research Program, National Institutes of Health
Classification: Uncertain significance for Malignant hyperthermia, susceptibility to, 1. Last evaluated: 2023-12-01. Review status: criteria provided, single submitter. Criteria: ACMG Guidelines, 2015. Collection method: clinical testing. Allele origin: germline. Inheritance: Autosomal dominant inheritance. Observed: 1 variant allele, 1 heterozygote.
Comment: This study involves interpretation of variants in research participants for the purpose of population health screening. Participant phenotype was not available at the time of variant classification. Additional details can be found in publication PMID: 35346344, PMCID: PMC8962531